The following is an entry in ClinVar:

ClinVar aggregate classification (germline): Uncertain significance (1 of 4 stars; one submission).

Conditions:
Distal myopathy with posterior leg and anterior hand involvement. Also called: WILLIAMS DISTAL MYOPATHY. Identifiers: Orphanet 63273, MedGen C3279722, MONDO:0013550, OMIM 614065.
Hypertrophic cardiomyopathy 26. Also called: Cardiomyopathy, familial hypertrophic, 26. Identifiers: Orphanet 75249, MedGen C4310749, MONDO:0014883, OMIM 617047.
Myofibrillar myopathy 5. Also called: Filaminopathy (type); FILAMINOPATHY, AUTOSOMAL DOMINANT. Identifiers: Orphanet 171445, MedGen C1836050, MONDO:0012289, OMIM 609524.

Submission:

Labcorp Genetics (formerly Invitae), Labcorp
Classification: Uncertain significance for Distal myopathy with posterior leg and anterior hand involvement; Myofibrillar myopathy 5; Hypertrophic cardiomyopathy 26. Last evaluated: 2024-11-04. Review status: criteria provided, single submitter. Criteria: Invitae Variant Classification Sherloc (09022015). Collection method: clinical testing. Allele origin: germline.
Comment: This sequence change replaces histidine, which is basic and polar, with asparagine, which is neutral and polar, at codon 763 of the FLNC protein (p.His763Asn). This variant is not present in population databases (gnomAD no frequency). This variant has not been reported in the literature in individuals affected with FLNC-related conditions. Invitae Evidence Modeling of protein sequence and biophysical properties (such as structural, functional, and spatial information, amino acid conservation, physicochemical variation, residue mobility, and thermodynamic stability) has been performed for this missense variant. However, the output from this modeling did not meet the statistical confidence thresholds required to predict the impact of this variant on FLNC protein function. In summary, the available evidence is currently insufficient to determine the role of this variant in disease. Therefore, it has been classified as a Variant of Uncertain Significance.

NM_001458.5(FLNC):c.2287C>A (p.His763Asn)

Gene: FLNC (filamin C; plus strand). Cytogenetic location: 7q32.1.
Variant type: single nucleotide variant.
Coding change: c.2287C>A on transcript NM_001458.5 (MANE Select); coding-DNA position 2287, C replaced by A.
Protein change: p.His763Asn; replaces histidine 763 with asparagine.
Molecular consequence: missense variant.
Genome position (GRCh38, 1-based): chr7:128,842,596, C>A. VCF-style: chr7-128842596-C-A. GRCh37 (hg19) VCF-style: chr7-128482650-C-A.
Other names: c.2287C>A, p.His763Asn (NM_001127487.2); short protein forms H763N.
Identifiers: ClinVar variation 3758901 (VCV003758901.2).